The following is an entry in ClinVar:

ClinVar aggregate classification (germline): Uncertain significance (1 of 4 stars; one submission).

Conditions:
Long QT syndrome (LQTS). Identifiers: MedGen C0023976, MeSH D008133, MONDO:0002442. Disease mechanism: loss of function. Inheritance: Various modes of inheritance.

Submission:

Labcorp Genetics (formerly Invitae), Labcorp
Classification: Uncertain significance for Long QT syndrome. Last evaluated: 2022-08-15. Review status: criteria provided, single submitter. Criteria: Invitae Variant Classification Sherloc (09022015). Collection method: clinical testing. Allele origin: germline.
Comment: ClinVar contains an entry for this variant (Variation ID: 1481970). Algorithms developed to predict the effect of missense changes on protein structure and function are either unavailable or do not agree on the potential impact of this missense change (SIFT: "Tolerated"; PolyPhen-2: "Probably Damaging"; Align-GVGD: "Class C0"). In summary, the available evidence is currently insufficient to determine the role of this variant in disease. Therefore, it has been classified as a Variant of Uncertain Significance. This variant has not been reported in the literature in individuals affected with AKAP9-related conditions. This sequence change replaces leucine, which is neutral and non-polar, with serine, which is neutral and polar, at codon 490 of the AKAP9 protein (p.Leu490Ser). This variant is not present in population databases (gnomAD no frequency).

NM_005751.5(AKAP9):c.1469T>C (p.Leu490Ser)

Gene: AKAP9 (A-kinase anchoring protein 9; plus strand). Cytogenetic location: 7q21.2.
Variant type: single nucleotide variant.
Coding change: c.1469T>C on transcript NM_005751.5 (MANE Select); coding-DNA position 1469, T replaced by C.
Protein change: p.Leu490Ser; replaces leucine 490 with serine.
Molecular consequence: missense variant.
Genome position (GRCh38, 1-based): chr7:92,001,386, T>C. VCF-style: chr7-92001386-T-C. GRCh37 (hg19) VCF-style: chr7-91630700-T-C.
Other names: c.1469T>C, p.Leu490Ser (NM_147185.3); short protein forms L490S.
Identifiers: ClinVar variation 1481970 (VCV001481970.8), dbSNP rs2130664621, ClinGen allele CA368121863.